The following is an entry in ClinVar:

NM_003072.5(SMARCA4):c.347A>C (p.His116Pro)

Gene: SMARCA4 (SWI/SNF related BAF chromatin remodeling complex subunit ATPase 4; plus strand). Cytogenetic location: 19p13.2.
Variant type: single nucleotide variant.
Coding change: c.347A>C on transcript NM_003072.5 (MANE Select); coding-DNA position 347, A replaced by C.
Protein change: p.His116Pro; replaces histidine 116 with proline.
Molecular consequence: missense variant. On other transcripts: non-coding transcript variant (1).
Genome position (GRCh38, 1-based): chr19:10,985,397, A>C. VCF-style: chr19-10985397-A-C. GRCh37 (hg19) VCF-style: chr19-11096073-A-C.
Other names: c.347A>C, p.His116Pro (NM_001128844.3, NM_001128845.2, NM_001128846.2 and 6 more transcripts); c.347A>C (NM_001128849.1); short protein forms H116P.
Identifiers: ClinVar variation 3636825 (VCV003636825.3).

ClinVar aggregate classification (germline): Uncertain significance. Review status: criteria provided, multiple submitters, no conflicts (2 of 4 stars). 2 submissions from 2 submitters: Uncertain significance (2). Last evaluated 2025-02-28.

Conditions:
Hereditary cancer-predisposing syndrome. Also called: Hereditary neoplastic syndrome; Tumor predisposition; Hereditary Cancer Syndrome; Neoplastic Syndromes, Hereditary. Identifiers: Orphanet 140162, MedGen C0027672, MeSH D009386, MONDO:0015356.
Rhabdoid tumor predisposition syndrome 2 (RTPS2). Identifiers: Orphanet 231108, Orphanet 69077, MedGen C2750074, MONDO:0013224, OMIM 613325.

Submissions (2):

Ambry Genetics
Classification: Uncertain significance for Hereditary cancer-predisposing syndrome. Last evaluated: 2025-02-28. Review status: criteria provided, single submitter. Criteria: Ambry Variant Classification Scheme 2023. Collection method: clinical testing. Allele origin: germline.
Comment: The p.H116P variant (also known as c.347A>C), located in coding exon 2 of the SMARCA4 gene, results from an A to C substitution at nucleotide position 347. The histidine at codon 116 is replaced by proline, an amino acid with similar properties. This amino acid position is conserved. In addition, the in silico prediction for this alteration is inconclusive. Based on the available evidence, the clinical significance of this variant remains unclear.

Labcorp Genetics (formerly Invitae), Labcorp
Classification: Uncertain significance for Rhabdoid tumor predisposition syndrome 2. Last evaluated: 2024-05-15. Review status: criteria provided, single submitter. Criteria: Invitae Variant Classification Sherloc (09022015). Collection method: clinical testing. Allele origin: germline.
Comment: This sequence change replaces histidine, which is basic and polar, with proline, which is neutral and non-polar, at codon 116 of the SMARCA4 protein (p.His116Pro). This variant is not present in population databases (gnomAD no frequency). This variant has not been reported in the literature in individuals affected with SMARCA4-related conditions. Advanced modeling of protein sequence and biophysical properties (such as structural, functional, and spatial information, amino acid conservation, physicochemical variation, residue mobility, and thermodynamic stability) has been performed at Invitae for this missense variant, however the output from this modeling did not meet the statistical confidence thresholds required to predict the impact of this variant on SMARCA4 protein function. In summary, the available evidence is currently insufficient to determine the role of this variant in disease. Therefore, it has been classified as a Variant of Uncertain Significance.